The following is an entry in ClinVar:

ClinVar aggregate classification (germline): Uncertain significance. Review status: criteria provided, single submitter (1 of 4 stars). 3 submissions from 2 submitters: Uncertain significance (1). 2 of the submissions do not count toward it. Last evaluated 2022-06-22.

Conditions:
RFT1-congenital disorder of glycosylation (CDG1N). Also called: CDG In; Congenital disorder of glycosylation type In; RFT1-CDG. Identifiers: Orphanet 244310, MedGen C2677590, MONDO:0012783, OMIM 612015.

Allele frequency attached by ClinVar (database versions not stated): TOPMed below 0.00001; gnomAD exomes 0.00001 and 0.00002.
gnomAD v4.1: 25 of 1,614,170 alleles (0.0015%); highest among the groups gnomAD compares: Non-Finnish European, 0.0021%; no homozygotes.

Submissions (3):

Labcorp Genetics (formerly Invitae), Labcorp
Classification: Uncertain significance for RFT1-congenital disorder of glycosylation. Last evaluated: 2022-06-22. Review status: criteria provided, single submitter. Criteria: Invitae Variant Classification Sherloc (09022015). Collection method: clinical testing. Allele origin: germline.
Comment: This sequence change replaces glycine, which is neutral and non-polar, with serine, which is neutral and polar, at codon 368 of the RFT1 protein (p.Gly368Ser). This variant also falls at the last nucleotide of exon 10, which is part of the consensus splice site for this exon. This variant is present in population databases (rs483352764, gnomAD 0.002%). This variant has not been reported in the literature in individuals affected with RFT1-related conditions. ClinVar contains an entry for this variant (Variation ID: 100887). Algorithms developed to predict the effect of missense changes on protein structure and function are either unavailable or do not agree on the potential impact of this missense change (SIFT: "Tolerated"; PolyPhen-2: "Probably Damaging"; Align-GVGD: "Class C0"). Variants that disrupt the consensus splice site are a relatively common cause of aberrant splicing (PMID: 17576681, 9536098). Algorithms developed to predict the effect of sequence changes on RNA splicing suggest that this variant may disrupt the consensus splice site. In summary, the available evidence is currently insufficient to determine the role of this variant in disease. Therefore, it has been classified as a Variant of Uncertain Significance.

Richard Lifton Laboratory, Yale University School of Medicine
Classification: Uncertain significance. Review status: no assertion criteria provided. Collection method: not provided. Allele origin: somatic. Not counted in ClinVar's aggregate classification.
Comment: RFT1:p.G368S
ClinVar note: Converted during submission from unknown to Uncertain significance.

Richard Lifton Laboratory, Yale University School of Medicine
Classification: Uncertain significance. Review status: flagged submission. Collection method: not provided. Allele origin: somatic. Not counted in ClinVar's aggregate classification.
ClinVar note: Converted during submission from unknown to Uncertain significance.
ClinVar note: Reason: This record appears to be redundant with a more recent record from the same submitter.
ClinVar note: Notes: SCV000120112 appears to be redundant with SCV000155216.

Literature cited by the submitters: PubMed 17576681 (cited by Labcorp Genetics (formerly Invitae), Labcorp); PubMed 9536098 (cited by Labcorp Genetics (formerly Invitae), Labcorp).

NM_052859.4(RFT1):c.1102G>A (p.Gly368Ser)

Gene: RFT1 (RFT1 glycolipid translocator homolog; minus strand). Cytogenetic location: 3p21.1.
Variant type: single nucleotide variant.
Coding change: c.1102G>A on transcript NM_052859.4 (MANE Select); coding-DNA position 1102, G replaced by A.
Protein change: p.Gly368Ser; replaces glycine 368 with serine.
Molecular consequence: missense variant.
Genome position (GRCh38, 1-based): chr3:53,103,953, C>T on the plus strand (G>A on the coding strand, the complement: RFT1 is on the minus strand). VCF-style: chr3-53103953-C-T. GRCh37 (hg19) VCF-style: chr3-53137969-C-T.
Other names: short protein forms G368S.
Identifiers: ClinVar variation 100887 (VCV000100887.8), dbSNP rs483352764, ClinGen allele CA229202.